The following is an entry in ClinVar:

ClinVar aggregate classification (germline): Uncertain significance (1 of 4 stars; one submission).

Conditions:
Susceptibility to respiratory infections associated with CD8alpha chain mutation (IMD116). Also called: IMMUNODEFICIENCY 116; Cd8 deficiency, familial. Identifiers: Orphanet 169085, MedGen C1837065, MONDO:0012161, OMIM 608957.

Allele frequency attached by ClinVar (database versions not stated): gnomAD exomes below 0.00001; ExAC 0.00001; TOPMed 0.00002; gnomAD 0.00003; 1000 Genomes Project 30x 0.00016; 1000 Genomes Project 0.00020.
gnomAD v4.1: 8 of 1,613,260 alleles (0.0005%); highest among the groups gnomAD compares: African/African-American, 0.011%; no homozygotes.

Submission:

Labcorp Genetics (formerly Invitae), Labcorp
Classification: Uncertain significance for Susceptibility to respiratory infections associated with CD8alpha chain mutation. Last evaluated: 2023-10-20. Review status: criteria provided, single submitter. Criteria: Invitae Variant Classification Sherloc (09022015). Collection method: clinical testing. Allele origin: germline.
Comment: This sequence change replaces proline, which is neutral and non-polar, with serine, which is neutral and polar, at codon 60 of the CD8A protein (p.Pro60Ser). The frequency data for this variant in the population databases is considered unreliable, as metrics indicate poor data quality at this position in the gnomAD database. This variant has not been reported in the literature in individuals affected with CD8A-related conditions. An algorithm developed to predict the effect of missense changes on protein structure and function (PolyPhen-2) suggests that this variant is likely to be tolerated. In summary, the available evidence is currently insufficient to determine the role of this variant in disease. Therefore, it has been classified as a Variant of Uncertain Significance.

NM_001768.7(CD8A):c.178C>T (p.Pro60Ser)

Gene: CD8A (CD8 subunit alpha; minus strand). Cytogenetic location: 2p11.2.
Variant type: single nucleotide variant.
Coding change: c.178C>T on transcript NM_001768.7 (MANE Select); coding-DNA position 178, C replaced by T.
Protein change: p.Pro60Ser; replaces proline 60 with serine.
Molecular consequence: missense variant. On other transcripts: non-coding transcript variant (3).
Genome position (GRCh38, 1-based): chr2:86,790,553, G>A on the plus strand (C>T on the coding strand, the complement: CD8A is on the minus strand). VCF-style: chr2-86790553-G-A. GRCh37 (hg19) VCF-style: chr2-87017676-G-A.
Other names: c.178C>T, p.Pro60Ser (NM_001145873.1, NM_001382698.1, NM_171827.4); short protein forms P60S.
Identifiers: ClinVar variation 3008586 (VCV003008586.3), dbSNP rs574751755, ClinGen allele CA1751258.